The following is an entry in ClinVar:

ClinVar aggregate classification (germline): Uncertain significance (1 of 4 stars; one submission).

Conditions:
Beckwith-Wiedemann syndrome (BWS). Also called: Exomphalos macroglossia gigantism syndrome; EMG SYNDROME. Identifiers: Orphanet 116, MedGen C0004903, MONDO:0007534, OMIM 130650.

Allele frequency attached by ClinVar (database versions not stated): ExAC 0.00003.
gnomAD v4.1: 15 of 1,503,814 alleles (0.001%); highest among the groups gnomAD compares: Middle Eastern, 0.019%; no homozygotes.

Submission:

Labcorp Genetics (formerly Invitae), Labcorp
Classification: Uncertain significance for Beckwith-Wiedemann syndrome. Last evaluated: 2023-03-19. Review status: criteria provided, single submitter. Criteria: Invitae Variant Classification Sherloc (09022015). Collection method: clinical testing. Allele origin: germline.
Comment: The frequency data for this variant in the population databases is considered unreliable, as metrics indicate poor data quality at this position in the gnomAD database. This sequence change replaces alanine, which is neutral and non-polar, with serine, which is neutral and polar, at codon 239 of the CDKN1C protein (p.Ala239Ser). This variant has not been reported in the literature in individuals affected with CDKN1C-related conditions. ClinVar contains an entry for this variant (Variation ID: 1041842). Advanced modeling of protein sequence and biophysical properties (such as structural, functional, and spatial information, amino acid conservation, physicochemical variation, residue mobility, and thermodynamic stability) performed at Invitae indicates that this missense variant is not expected to disrupt CDKN1C protein function. In summary, the available evidence is currently insufficient to determine the role of this variant in disease. Therefore, it has been classified as a Variant of Uncertain Significance.

NM_001122630.2(CDKN1C):c.682G>T (p.Ala228Ser)

Gene: CDKN1C (cyclin dependent kinase inhibitor 1C; minus strand). Cytogenetic location: 11p15.4.
Variant type: single nucleotide variant.
Coding change: c.682G>T on transcript NM_001122630.2 (MANE Select); coding-DNA position 682, G replaced by T.
Protein change: p.Ala228Ser; replaces alanine 228 with serine.
Molecular consequence: missense variant. On other transcripts: intron variant (1).
Genome position (GRCh38, 1-based): chr11:2,884,775, C>A on the plus strand (G>T on the coding strand, the complement: CDKN1C is on the minus strand). VCF-style: chr11-2884775-C-A. GRCh37 (hg19) VCF-style: chr11-2906005-C-A.
Other names: c.715G>T, p.Ala239Ser (NM_000076.2, NM_001362474.2); c.682G>T, p.Ala228Ser (NM_001122631.2); c.255+427G>T (NM_001362475.2); short protein forms A239S, A228S.
Identifiers: ClinVar variation 1041842 (VCV001041842.8), dbSNP rs781428134, ClinGen allele CA5822186.